The following is an entry in ClinVar:

ClinVar aggregate classification (germline): Pathogenic (1 of 4 stars; one submission).

Conditions:
GTP cyclohydrolase I deficiency. Identifiers: MedGen C0268467, MONDO:0100184.
Dystonia 5 (DRD). Also called: DYSTONIA, PROGRESSIVE, WITH DIURNAL VARIATION; DYSTONIA-PARKINSONISM WITH DIURNAL FLUCTUATION; GTP Cyclohydrolase 1-Deficient Dopa-Responsive Dystonia; DYT-GCH1; Dystonia, DOPA-responsive, with or without hyperphenylalaninemia. Identifiers: Orphanet 98808, MedGen C1851920, MONDO:0007495, OMIM 128230.

Submission:

Labcorp Genetics (formerly Invitae), Labcorp
Classification: Pathogenic for GTP cyclohydrolase I deficiency; Dystonia 5. Last evaluated: 2021-12-09. Review status: criteria provided, single submitter. Criteria: Invitae Variant Classification Sherloc (09022015). Collection method: clinical testing. Allele origin: germline.
Comment: For these reasons, this variant has been classified as Pathogenic. A similar copy number variant has been observed in individual(s) with dystonia (PMID: 17804835). It has also been observed to segregate with disease in related individuals. This variant is a gross deletion of the genomic region encompassing exon(s) 3-6 of the GCH1 gene, which includes the termination codon. This deletion extends beyond the assayed region for this gene and therefore may encompass additional genes. While this deletion is not anticipated to lead to nonsense mediated decay, it is expected to alter mRNA translation or result in a truncated protein product.

Literature cited by the submitters: PubMed 17804835.

NC_000014.8:g.(?_55310735)_(55326474_?)del

Gene: GCH1 (GTP cyclohydrolase 1; minus strand). Cytogenetic location: 14q22.2.
Variant type: Deletion.
Identifiers: ClinVar variation 2422499 (VCV002422499.4).